The following is an entry in ClinVar:

NM_000152.5(GAA):c.2423C>T (p.Pro808Leu)

Gene: GAA (alpha glucosidase; plus strand). Cytogenetic location: 17q25.3.
Variant type: single nucleotide variant.
Coding change: c.2423C>T on transcript NM_000152.5 (MANE Select); coding-DNA position 2423, C replaced by T.
Protein change: p.Pro808Leu; replaces proline 808 with leucine.
Molecular consequence: missense variant.
Genome position (GRCh38, 1-based): chr17:80,117,691, C>T. VCF-style: chr17-80117691-C-T. GRCh37 (hg19) VCF-style: chr17-78091490-C-T.
Other names: c.2423C>T (LRG_673t1); c.2423C>T, p.Pro808Leu (NM_001079803.3, NM_001079804.3); short protein forms P808L.
Identifiers: ClinVar variation 281274 (VCV000281274.19), dbSNP rs773498009, ClinGen allele CA8815736.

ClinVar aggregate classification (germline): Uncertain significance. Review status: criteria provided, multiple submitters, no conflicts (2 of 4 stars). 7 submissions from 7 submitters: Uncertain significance (6). 1 of the submissions does not count toward it. Last evaluated 2025-07-22.

Conditions:
Glycogen storage disease, type II (IOPD). Also called: POMPE DISEASE, INFANTILE-ONSET; GLYCOGEN STORAGE DISEASE II, INFANTILE-ONSET; ACID ALPHA-GLUCOSIDASE DEFICIENCY, INFANTILE-ONSET; GAA DEFICIENCY, INFANTILE-ONSET; ACID MALTASE DEFICIENCY, INFANTILE-ONSET; Glucosidase acid-1,4-alpha deficiency. Identifiers: Orphanet 365, MedGen C0017921, MONDO:0009290, OMIM 232300.

Allele frequency attached by ClinVar (database versions not stated): gnomAD exomes below 0.00001; ExAC 0.00001; TOPMed 0.00002; gnomAD 0.00003 and 0.00004.
gnomAD v4.1: 13 of 1,612,330 alleles (0.00081%); highest among the groups gnomAD compares: African/African-American, 0.008%; no homozygotes.

Submissions (7):

Revvity Omics, Revvity
Classification: Uncertain significance. Last evaluated: 2025-07-22. Review status: criteria provided, single submitter. Criteria: ACMG Guidelines, 2015. Collection method: clinical testing. Allele origin: germline.

GeneDx
Classification: Uncertain significance. Last evaluated: 2024-06-12. Review status: criteria provided, single submitter. Criteria: GeneDx Variant Classification Process June 2021. Collection method: clinical testing. Allele origin: germline. Affected: yes.
Comment: Not observed at significant frequency in large population cohorts (gnomAD); In silico analysis supports that this missense variant has a deleterious effect on protein structure/function; Has not been previously published as pathogenic or benign to our knowledge

Labcorp Genetics (formerly Invitae), Labcorp
Classification: Uncertain significance for Glycogen storage disease, type II. Last evaluated: 2022-08-23. Review status: criteria provided, single submitter. Criteria: Invitae Variant Classification Sherloc (09022015). Collection method: clinical testing. Allele origin: germline.
Comment: This sequence change replaces proline, which is neutral and non-polar, with leucine, which is neutral and non-polar, at codon 808 of the GAA protein (p.Pro808Leu). This variant is present in population databases (rs773498009, gnomAD 0.01%). This variant has not been reported in the literature in individuals affected with GAA-related conditions. ClinVar contains an entry for this variant (Variation ID: 281274). Advanced modeling of protein sequence and biophysical properties (such as structural, functional, and spatial information, amino acid conservation, physicochemical variation, residue mobility, and thermodynamic stability) performed at Invitae indicates that this missense variant is not expected to disrupt GAA protein function. In summary, the available evidence is currently insufficient to determine the role of this variant in disease. Therefore, it has been classified as a Variant of Uncertain Significance.

Genome-Nilou Lab
Classification: Uncertain significance for Glycogen storage disease, type II. Last evaluated: 2021-09-05. Review status: criteria provided, single submitter. Criteria: ACMG Guidelines, 2015. Collection method: clinical testing. Allele origin: germline. Affected: no.

Fulgent Genetics
Classification: Uncertain significance for Glycogen storage disease, type II. Last evaluated: 2021-08-11. Review status: criteria provided, single submitter. Criteria: ACMG Guidelines, 2015. Collection method: clinical testing. Allele origin: unknown.

Eurofins Ntd Llc (ga)
Classification: Uncertain significance. Last evaluated: 2016-12-27. Review status: criteria provided, single submitter. Criteria: EGL Classification Definitions 2015. Collection method: clinical testing. Allele origin: germline. Observed: 3 variant alleles, 3 heterozygotes.

Natera, Inc.
Classification: Uncertain significance for Glycogen storage disease type II. Last evaluated: 2020-03-07. Review status: no assertion criteria provided. Collection method: clinical testing. Allele origin: germline. Not counted in ClinVar's aggregate classification.